The following is an entry in ClinVar:

NM_006565.4(CTCF):c.130C>A (p.Gln44Lys)

Gene: CTCF (CCCTC-binding factor; plus strand). Cytogenetic location: 16q22.1.
Variant type: single nucleotide variant.
Coding change: c.130C>A on transcript NM_006565.4 (MANE Select); coding-DNA position 130, C replaced by A.
Protein change: p.Gln44Lys; replaces glutamine 44 with lysine.
Molecular consequence: missense variant. On other transcripts: intron variant (1).
Genome position (GRCh38, 1-based): chr16:67,610,962, C>A. VCF-style: chr16-67610962-C-A. GRCh37 (hg19) VCF-style: chr16-67644865-C-A.
Other names: c.130C>A, p.Gln44Lys (NM_001363916.2); c.-32-5783C>A (NM_001191022.2); short protein forms Q44K.
Identifiers: ClinVar variation 1769614 (VCV001769614.2), dbSNP rs755800964, ClinGen allele CA8112468.

ClinVar aggregate classification (germline): Uncertain significance (1 of 4 stars; one submission).

Conditions:
Inborn genetic diseases. Identifiers: MedGen C0950123, MeSH D030342.

Allele frequency attached by ClinVar (database versions not stated): gnomAD 0.00001; ExAC 0.00003; TOPMed 0.00003.
gnomAD v4.1: 40 of 1,592,416 alleles (0.0025%); highest among the groups gnomAD compares: Non-Finnish European, 0.0033%; 1 homozygote.

Submission:

Ambry Genetics
Classification: Uncertain significance for Inborn genetic diseases. Last evaluated: 2018-05-04. Review status: criteria provided, single submitter. Criteria: Ambry Variant Classification Scheme 2023. Collection method: clinical testing. Allele origin: germline.
Comment: The p.Q44K variant (also known as c.130C>A), located in coding exon 1 of the CTCF gene, results from a C to A substitution at nucleotide position 130. The glutamine at codon 44 is replaced by lysine, an amino acid with similar properties. This amino acid position is well conserved in available vertebrate species. In addition, this alteration is predicted to be tolerated by in silico analysis. Since supporting evidence is limited at this time, the clinical significance of this alteration remains unclear.